The following is an entry in ClinVar:

ClinVar aggregate classification (germline): Uncertain significance (1 of 4 stars; one submission).

Submission:

Labcorp Genetics (formerly Invitae), Labcorp
Classification: Uncertain significance. Last evaluated: 2024-08-13. Review status: criteria provided, single submitter. Criteria: Invitae Variant Classification Sherloc (09022015). Collection method: clinical testing. Allele origin: germline.
Comment: This sequence change falls in intron 27 of the DUOX2 gene. It does not directly change the encoded amino acid sequence of the DUOX2 protein. It affects a nucleotide within the consensus splice site. This variant is not present in population databases (gnomAD no frequency). This variant has not been reported in the literature in individuals affected with DUOX2-related conditions. Variants that disrupt the consensus splice site are a relatively common cause of aberrant splicing (PMID: 17576681, 9536098). Algorithms developed to predict the effect of sequence changes on RNA splicing suggest that this variant is not likely to affect RNA splicing. In summary, the available evidence is currently insufficient to determine the role of this variant in disease. Therefore, it has been classified as a Variant of Uncertain Significance.

Literature cited by the submitters: PubMed 17576681; PubMed 9536098.

NM_001363711.2(DUOX2):c.3566-3C>T

Gene: DUOX2 (dual oxidase 2; minus strand). Cytogenetic location: 15q21.1.
Variant type: single nucleotide variant.
Coding change: c.3566-3C>T on transcript NM_001363711.2 (MANE Select); 3 bases into the intron before coding-DNA position 3566, C replaced by T.
Molecular consequence: intron variant.
Genome position (GRCh38, 1-based): chr15:45,097,744, G>A on the plus strand (C>T on the coding strand, the complement: DUOX2 is on the minus strand). VCF-style: chr15-45097744-G-A. GRCh37 (hg19) VCF-style: chr15-45389942-G-A.
Other names: c.3566-3C>T (NM_014080.5).
Identifiers: ClinVar variation 3662286 (VCV003662286.2).